The following is an entry in ClinVar:

NM_020117.11(LARS1):c.2488-9A>G

Gene: LARS1 (leucyl-tRNA synthetase 1; minus strand). Cytogenetic location: 5q32.
Variant type: single nucleotide variant.
Coding change: c.2488-9A>G on transcript NM_020117.11 (MANE Select); 9 bases into the intron before coding-DNA position 2488, A replaced by G.
Molecular consequence: intron variant.
Genome position (GRCh38, 1-based): chr5:146,130,167, T>C on the plus strand (A>G on the coding strand, the complement: LARS1 is on the minus strand). VCF-style: chr5-146130167-T-C. GRCh37 (hg19) VCF-style: chr5-145509730-T-C.
Other names: c.2326-9A>G (NM_001317965.2); c.2407-9A>G (NM_016460.4); c.2350-9A>G (NM_001317964.2).
Identifiers: ClinVar variation 3375817 (VCV003375817.2).
Genomic context (GRCh38, chr5:146,130,167, plus strand): 5'-GTTCTCTGTGCATCCCTTCCACAGCCAATTCACGGTACTTATCTTTTGCGGCCTATAAAA[T>C]TTGAAATTATTTACCATTTCCCTCACCTTCTTTAAAATAAAAATAAAGGGAAAAATTGCA-3'

ClinVar aggregate classification (germline): Uncertain significance (1 of 4 stars; one submission).

gnomAD v4.1: 46 of 1,610,224 alleles (0.0029%); highest among the groups gnomAD compares: Non-Finnish European, 0.0037%; no homozygotes.

Submission:

GeneDx
Classification: Uncertain significance. Last evaluated: 2025-05-29. Review status: criteria provided, single submitter. Criteria: GeneDx Variant Classification Process June 2021. Collection method: clinical testing. Allele origin: germline.
Comment: In silico analysis supports a deleterious effect on splicing; Has not been previously published as pathogenic or benign to our knowledge